The following is an entry in ClinVar:

ClinVar aggregate classification (germline): Uncertain significance (1 of 4 stars; one submission).

Conditions:
Birt-Hogg-Dube syndrome. Also called: Birt Hogg Dubé syndrome. Identifiers: Orphanet 122, MedGen C0346010, MONDO:0800444.

Submission:

Labcorp Genetics (formerly Invitae), Labcorp
Classification: Uncertain significance for Birt-Hogg-Dube syndrome. Last evaluated: 2020-03-04. Review status: criteria provided, single submitter. Criteria: Invitae Variant Classification Sherloc (09022015). Collection method: clinical testing. Allele origin: germline.
Comment: This sequence change replaces glutamine with leucine at codon 147 of the FLCN protein (p.Gln147Leu). The glutamine residue is highly conserved and there is a moderate physicochemical difference between glutamine and leucine. This variant is not present in population databases (ExAC no frequency). This variant has not been reported in the literature in individuals with FLCN-related conditions. Algorithms developed to predict the effect of missense changes on protein structure and function (SIFT, PolyPhen-2, Align-GVGD) all suggest that this variant is likely to be tolerated, but these predictions have not been confirmed by published functional studies and their clinical significance is uncertain. In summary, the available evidence is currently insufficient to determine the role of this variant in disease. Therefore, it has been classified as a Variant of Uncertain Significance.

NM_144997.7(FLCN):c.440A>T (p.Gln147Leu)

Gene: FLCN (folliculin; minus strand). Cytogenetic location: 17p11.2.
Variant type: single nucleotide variant.
Coding change: c.440A>T on transcript NM_144997.7 (MANE Select); coding-DNA position 440, A replaced by T.
Protein change: p.Gln147Leu; replaces glutamine 147 with leucine.
Molecular consequence: missense variant.
Genome position (GRCh38, 1-based): chr17:17,224,100, T>A on the plus strand (A>T on the coding strand, the complement: FLCN is on the minus strand). VCF-style: chr17-17224100-T-A. GRCh37 (hg19) VCF-style: chr17-17127414-T-A.
Other names: c.494A>T, p.Gln165Leu (NM_001353229.2); c.440A>T, p.Gln147Leu (NM_001353230.2, NM_001353231.2, NM_144606.7); short protein forms Q147L, Q165L.
Identifiers: ClinVar variation 938238 (VCV000938238.7), dbSNP rs2047180211, ClinGen allele CA398534558.